The following is an entry in ClinVar:

Conditions:
Long QT syndrome 5 (LQT5). Identifiers: Orphanet 101016, Orphanet 768, MedGen C1867904, MONDO:0013372, OMIM 613695.

Submission:

Roden Lab, Vanderbilt University Medical Center
No classification provided (evidence only). Condition: Long QT syndrome 5. Review status: no classification provided. Collection method: in vitro. Allele origin: not applicable. Functional consequence: Effect on ion channel function.
ClinVar note: "not provided" was previously submitted as the classification for the variant. However, the classification appeared to be based only on an observation of functional data so it was converted to no classification on 2025-07-30.

NM_000219.6(KCNE1):c.188T>G (p.Leu63Arg)

Gene: KCNE1 (potassium voltage-gated channel subfamily E regulatory subunit 1; minus strand). Cytogenetic location: 21q22.12.
Variant type: single nucleotide variant.
Coding change: c.188T>G on transcript NM_000219.6 (MANE Select); coding-DNA position 188, T replaced by G.
Protein change: p.Leu63Arg; replaces leucine 63 with arginine.
Molecular consequence: missense variant.
Genome position (GRCh38, 1-based): chr21:34,449,447, A>C on the plus strand (T>G on the coding strand, the complement: KCNE1 is on the minus strand). VCF-style: chr21-34449447-A-C. GRCh37 (hg19) VCF-style: chr21-35821745-A-C.
Other names: c.188T>G, p.Leu63Arg (NM_001127668.4, NM_001127669.4, NM_001127670.4 and 4 more transcripts); short protein forms L63R.
Identifiers: ClinVar variation 3374283 (VCV003374283.2).